The following continues an entry in ClinVar:

NM_000059.4(BRCA2):c.9699_9702del (p.Cys3233fs)

Gene: BRCA2. ClinVar aggregate classification (germline): Likely pathogenic. Likely pathogenic (1).

Submissions 9 to 11 of 34:

Quest Diagnostics Nichols Institute San Juan Capistrano
Classification: Pathogenic. Last evaluated: 2025-06-13. Review status: criteria provided, single submitter. Criteria: Quest Diagnostics criteria. Collection method: clinical testing. Allele origin: unknown. Not counted in ClinVar's aggregate classification.
Comment: The BRCA2 c.9699_9702del (p.Cys3233Trpfs*15) variant alters the translational reading frame of the BRCA2 mRNA and causes the premature termination of BRCA2 protein synthesis. This variant has been reported in the published literature in individuals with breast and/or ovarian cancer (PMID: 16683254 (2006), 25863477 (2015), 29161300 (2017), 29875428 (2018), 29084914 (2018), 29997359 (2018), 30716324 (2019), 32939053 (2020), 35438911 (2022)), prostate cancer (PMID: 32853339 (2021)), medulloblastoma (PMID: 29753700 (2018)), adenomatous polyposis and Hodgkin lymphoma (PMID: 33753322 (2021)), and testicular cancer (PMID: 35022142 (2022)). This variant is reported to occur in trans with known pathogenic BRCA2 variants in individuals with primary ovarian insufficiency (PMID: 36721989 (2023), 36732629 (2023)). This variant has also been observed in reportedly unaffected individuals (PMID: 27276934 (2016), 32719484 (2020), 33804961 (2021), 35260348 (2022)). A functional study demonstrated that this variant had damaging effects on protein function (PMID: 33293522 (2020)). The frequency of this variant in the general population (Genome Aggregation Database) is consistent with pathogenicity. Based on the available information, this variant is classified as pathogenic suspected reduced penetrance.

ARUP Laboratories, Molecular Genetics and Genomics, ARUP Laboratories
Classification: Likely pathogenic. Last evaluated: 2025-03-20. Review status: criteria provided, single submitter. Criteria: ARUP Molecular Germline Variant Investigation Process 2024. Collection method: clinical testing. Allele origin: germline. Not counted in ClinVar's aggregate classification.
Comment: The BRCA2 c.9699_c.9702del; p.Cys3233TrpfsTer15 variant (rs80359775, ClinVar Variation ID 38260) has been reported in individuals with a clinical diagnosis of hereditary breast and ovarian cancer (HBOC; Bunnell 2017, Rebbeck 2018, van der Hout 2006). At least some of these affected individuals had additional variants in either BRAC2 or BRCA1. This variant has also been reported along with a second BRCA2 variant in individuals with Fanconi anemia (Alemar 2017, Rosenthal 2015). However, not all family members with these BRAC2 variant combinations were affected with Fanconi anemia (Rosenthal 2015). This variant is found predominantly in the Admixed American population with an allele frequency of 0.04% (14/35,226 alleles) in the Genome Aggregation Database (v2.1.1). This BRAC2 variant results in a premature termination codon in the very last exon of the BRAC2 gene. While this may not lead to nonsense-mediated decay, it is expected to create a truncated BRCA2 protein (Biswas 2020). Notably, truncations downstream to this position have been reported in HBOC patients (Alsop 2012, Tea 2014, van der Hout 2006, Waddell 2008). Due to conflicting information, this particular BRCA2 variant was frequently classified in the past as variant with â€œspecial interpretationâ€ (Mersch 2018). Based on current available information and to be consistent with ClinGen ENIGMA BRCA1 and BRCA2 variant curation expert panel recommendations, the BRCA2 c.9699_c.9702del; p.Cys3233TrpfsTer15 variant is considered to be likely pathogenic. References: Alemar B et al. BRCA1 and BRCA2 mutational profile and prevalence in hereditary breast and ovarian cancer (HBOC) probands from Southern Brazil: Are international testing criteria appropriate for this specific population? PLoS One. 2017 PMID: 29161300. Alsop K et al. BRCA mutation frequency and patterns of treatment response in BRCA mutation-positive women with ovarian cancer: a report from the Australian Ovarian Cancer Study Group. J Clin Oncol. 2012 Jul 20. PMID: 22711857. Biswas K et al. A computational model for classification of BRCA2 variants using mouse embryonic stem cell-based functional assays. NPJ Genom Med. 2020 Dec 8. PMID: 33293522. Bunnell AE et al. The Clinical Utility of Next Generation Sequencing Results in a Community-Based Hereditary Cancer Risk Program. J Genet Couns. 2017 Feb. PMID: 27276934. Mersch J et al. Prevalence of Variant Reclassification Following Hereditary Cancer Genetic Testing. JAMA. 2018 Sep 25. PMID: 30264118. Rebbeck TR et al. Mutational spectrum in a worldwide study of 29,700 families with BRCA1 or BRCA2 mutations. Hum Mutat. 2018 May. PMID: 29446198. Rosenthal ET et al. Exceptions to the rule: case studies in the prediction of pathogenicity for genetic variants in hereditary cancer genes. Clin Genet. 2015 Dec. PMID: 25639900. Tea MK et al. Central European BRCA2 mutation carriers: birth cohort status correlates with onset of breast cancer. Maturitas. 2014 Jan. PMID: 24156927. van der Hout AH et al. A DGGE system for comprehensive mutation screening of BRCA1 and BRCA2: application in a Dutch cancer clinic setting. Hum Mutat. 2006 Jul. PMID: 16683254. Waddell N et al. BRCA1 and BRCA2 missense variants of high and low clinical significance influence lymphoblastoid cell line post-irradiation gene expression. PLoS Genet. 2008 May 23. PMID: 18497862.

Johns Hopkins Genomics, Johns Hopkins University
Classification: Likely pathogenic for Breast-ovarian cancer, familial, susceptibility to, 2. Last evaluated: 2025-02-16. Review status: criteria provided, single submitter. Criteria: ACMG Guidelines, 2015. Collection method: clinical testing. Allele origin: germline. Not counted in ClinVar's aggregate classification.
Comment: This BRCA2 variant (rs80359775) is rare (<0.1%) in a large population dataset (gnomADv2.1.1: 17/281678 total alleles; 0.006%; no homozygotes) and has an entry in ClinVar. This variant has been reported in multiple unrelated individuals affected with hereditary breast and ovarian cancer. However, the variant has not shown consistent segregation with cancer in family studies and has also been observed with different BRCA2 pathogenic variants in several individuals without symptoms of Fanconi anemia. This frameshift variant, which consists of a deletion of four nucleotides, is predicted to result in a premature termination codon (PTC) within the last exon of the gene, likely escaping nonsense-mediated decay and resulting in a truncated protein product. We consider c.9699_9702del to be likely pathogenic with reduced penetrance for hereditary breast and ovarian cancer.